The following is an entry in ClinVar:

NM_000444.6(PHEX):c.1590G>A (p.Trp530Ter)

Gene: PHEX (phosphate regulating endopeptidase X-linked; plus strand). Cytogenetic location: Xp22.11.
Variant type: single nucleotide variant.
Coding change: c.1590G>A on transcript NM_000444.6 (MANE Select); coding-DNA position 1590, G replaced by A.
Protein change: p.Trp530Ter; replaces tryptophan 530 with a stop codon.
Molecular consequence: nonsense.
Genome position (GRCh38, 1-based): chrX:22,190,447, G>A. VCF-style: chrX-22190447-G-A. GRCh37 (hg19) VCF-style: chrX-22208564-G-A.
Other names: c.1590G>A, p.Trp530Ter (NM_001282754.2); short protein forms W530*.
Identifiers: ClinVar variation 1459874 (VCV001459874.7), dbSNP rs1556091855, ClinGen allele CA412575026.

ClinVar aggregate classification (germline): Pathogenic. Review status: criteria provided, multiple submitters, no conflicts (2 of 4 stars). 2 submissions from 2 submitters: Pathogenic (2). Last evaluated 2025-08-06.

Submissions (2):

Dasa
Classification: Pathogenic. Last evaluated: 2025-08-06. Review status: criteria provided, single submitter. Criteria: DASA Assertion Criteria. Collection method: clinical testing. Allele origin: germline.
Comment: NM_000444.6(PHEX):c.1590G>A (p.Trp530*) introduces a premature termination codon predicted to result in loss of normal protein function. Loss-of-function is an established mechanism of disease for this gene. This variant has been reported in individuals with related phenotype (PMID: 37794959). The variant is present at low frequency in population datasets. Based on the available data, this variant is classified as pathogenic.

Labcorp Genetics (formerly Invitae), Labcorp
Classification: Pathogenic. Last evaluated: 2023-01-28. Review status: criteria provided, single submitter. Criteria: Invitae Variant Classification Sherloc (09022015). Collection method: clinical testing. Allele origin: germline.
Comment: This sequence change creates a premature translational stop signal (p.Trp530*) in the PHEX gene. It is expected to result in an absent or disrupted protein product. Loss-of-function variants in PHEX are known to be pathogenic (PMID: 9097956, 9106524, 19219621). This variant is not present in population databases (gnomAD no frequency). This premature translational stop signal has been observed in individual(s) with X-linked hypophosphatemia (PMID: 9768674). ClinVar contains an entry for this variant (Variation ID: 1459874). For these reasons, this variant has been classified as Pathogenic.

Literature cited by the submitters: PubMed 37794959 (cited by Dasa); PubMed 9097956 (cited by Labcorp Genetics (formerly Invitae), Labcorp); PubMed 9106524 (cited by Labcorp Genetics (formerly Invitae), Labcorp); PubMed 19219621 (cited by Labcorp Genetics (formerly Invitae), Labcorp); PubMed 9768674 (cited by Labcorp Genetics (formerly Invitae), Labcorp).